The following is an entry in ClinVar:

NM_001004051.4(GPRASP2):c.916C>T (p.Pro306Ser)

Genes: ARMCX5-GPRASP2 (ARMCX5-GPRASP2 readthrough; plus strand), GPRASP2 (G protein-coupled receptor associated sorting protein 2; plus strand). Cytogenetic location: Xq22.1.
Variant type: single nucleotide variant.
Coding change: c.916C>T on transcript NM_001004051.4 (MANE Select); coding-DNA position 916, C replaced by T.
Protein change: p.Pro306Ser; replaces proline 306 with serine.
Molecular consequence: missense variant. On other transcripts: intron variant (3).
Genome position (GRCh38, 1-based): chrX:102,715,785, C>T. VCF-style: chrX-102715785-C-T. GRCh37 (hg19) VCF-style: chrX-101970713-C-T.
Other names: c.916C>T, p.Pro306Ser (NM_001199818.1, NM_001184874.3, NM_001184875.3 and 2 more transcripts); c.-820+1519C>T (NM_001350268.2); c.-752+1519C>T (NM_001350269.2); c.-721+1519C>T (NM_001350270.1); c.916C>T (NM_138437.5); short protein forms P306S.
Identifiers: ClinVar variation 2354298 (VCV002354298.3), dbSNP rs140659689, ClinGen allele CA10476521.
Genomic context (GRCh38, chrX:102,715,785, plus strand): 5'-GATGAGGCCAGCAACCCATTCTCCTTCTGGGTTGGAGAAAATACCAATAACTTGTTCAGG[C>T]CCAGAGTCAGGGAGGAGGCAAATATCAGGTCCAAGCTCAGGACAAATAGAGAAGATTGTT-3'
Protein context (NP_001004051.1, residues 296-316): VGENTNNLFR[Pro306Ser]RVREEANIRS

ClinVar aggregate classification (germline): Uncertain significance. Review status: criteria provided, multiple submitters, no conflicts (2 of 4 stars). 2 submissions from 2 submitters: Uncertain significance (2). Last evaluated 2025-09-19.

Conditions:
GPRASP2-related disorder. Also called: GPRASP2-related condition.

Allele frequency attached by ClinVar (database versions not stated): gnomAD exomes 0.00003; ExAC 0.00015; 1000 Genomes Project 30x 0.00021; 1000 Genomes Project 0.00026; gnomAD 0.00046; ESP Exome Variant Server 0.00047; TOPMed 0.00053.
gnomAD v4.1: 81 of 1,209,874 alleles (0.0067%); highest among the groups gnomAD compares: African/African-American, 0.14%; no homozygotes.

Submissions (2):

PreventionGenetics, part of Exact Sciences
Classification: Uncertain significance for GPRASP2-related condition. Last evaluated: 2025-09-19. Review status: criteria provided, single submitter. Criteria: ACMG Guidelines, 2015. Collection method: clinical testing. Allele origin: germline.
Comment: The GPRASP2 c.916C>T variant is predicted to result in the amino acid substitution p.Pro306Ser. To our knowledge, this variant has not been reported in the literature. This variant is reported in 0.15% of alleles in individuals of African descent in gnomAD. Although we suspect that this variant may be benign, at this time, the clinical significance of this variant is uncertain due to the absence of conclusive functional and genetic evidence.

Ambry Genetics
Classification: Uncertain significance. Last evaluated: 2022-01-04. Review status: criteria provided, single submitter. Criteria: Ambry Variant Classification Scheme 2023. Collection method: clinical testing. Allele origin: germline.